The following is an entry in ClinVar:

ClinVar aggregate classification (germline): Conflicting classifications of pathogenicity. Review status: criteria provided, conflicting classifications (1 of 4 stars). 5 submissions from 5 submitters: Uncertain significance (1); Likely benign (3). 1 of the submissions does not count toward it. Last evaluated 2025-10-05.

Conditions:
OTOGL-related disorder. Also called: OTOGL-related condition.
Inborn genetic diseases. Identifiers: MedGen C0950123, MeSH D030342.

Allele frequency attached by ClinVar (database versions not stated): gnomAD exomes 0.00014 and 0.00041; ExAC 0.00049; ESP Exome Variant Server 0.00116; gnomAD 0.00147 and 0.00159; TOPMed 0.00167; 1000 Genomes Project 30x 0.00172; 1000 Genomes Project 0.00180.
gnomAD v4.1: 421 of 1,613,182 alleles (0.026%); highest among the groups gnomAD compares: African/African-American, 0.5%; no homozygotes.

Submissions (5):

Labcorp Genetics (formerly Invitae), Labcorp
Classification: Likely benign. Last evaluated: 2025-10-05. Review status: criteria provided, single submitter. Criteria: Invitae Variant Classification Sherloc (09022015). Collection method: clinical testing. Allele origin: germline.

Blueprint Genetics
Classification: Uncertain significance. Last evaluated: 2024-09-23. Review status: criteria provided, single submitter. Criteria: ACMG Guidelines, 2015. Collection method: clinical testing. Allele origin: germline.

Ambry Genetics
Classification: Likely benign for Inborn genetic diseases. Last evaluated: 2023-02-06. Review status: criteria provided, single submitter. Criteria: Ambry Variant Classification Scheme 2023. Collection method: clinical testing. Allele origin: germline.

Laboratory for Molecular Medicine, Mass General Brigham Personalized Medicine
Classification: Likely benign. Last evaluated: 2014-11-24. Review status: criteria provided, single submitter. Criteria: LMM Criteria. Collection method: clinical testing. Allele origin: germline. Observed: 1 variant allele.
Comment: Cys644Gly in exon 18 of OTOGL: This variant is not expected to have clinical significance because it has been identified in 0.4% (14/3820) of African American chromosomes from a broad population by the NHLBI Exome Sequencing Project.

PreventionGenetics, part of Exact Sciences
Classification: Likely benign for OTOGL-related condition. Last evaluated: 2020-02-18. Review status: no assertion criteria provided. Collection method: clinical testing. Allele origin: germline. Not counted in ClinVar's aggregate classification.
Comment: This variant is classified as likely benign based on ACMG/AMP sequence variant interpretation guidelines (Richards et al. 2015 PMID: 25741868, with internal and published modifications).

NM_001378609.3(OTOGL):c.1957T>G (p.Cys653Gly)

Gene: OTOGL (otogelin like; plus strand). Cytogenetic location: 12q21.31.
Variant type: single nucleotide variant.
Coding change: c.1957T>G on transcript NM_001378609.3 (MANE Select); coding-DNA position 1957, T replaced by G.
Protein change: p.Cys653Gly; replaces cysteine 653 with glycine.
Molecular consequence: missense variant.
Genome position (GRCh38, 1-based): chr12:80,262,036, T>G. VCF-style: chr12-80262036-T-G. GRCh37 (hg19) VCF-style: chr12-80655816-T-G.
Other names: c.1957T>G, p.Cys653Gly (NM_001368062.3, NM_001378610.3, NM_173591.7); c.1930T>G (NM_173591.3); short protein forms C653G.
Identifiers: ClinVar variation 930130 (VCV000930130.16), dbSNP rs200364230, ClinGen allele CA6700629.
Genomic context (GRCh38, chr12:80,262,036, plus strand): 5'-TCAGGCATGATAGAAGGTACACCACAACTTCACGCAAATGCGTGGAGAGTTTCTTCTACC[T>G]GTTTTGCACCTGTTCATGTCCCAGTGGTGGACCCCTGTAACATCAATCAACAAAACAGTA-3'
Protein context (NP_001365538.2, residues 643-663): HANAWRVSST[Cys653Gly]FAPVHVPVVD